The following is an entry in ClinVar:

ClinVar aggregate classification (germline): Uncertain significance (1 of 4 stars; one submission).

Conditions:
Baraitser-winter syndrome 2. Identifiers: Orphanet 2995, MedGen C3281235, MONDO:0013812, OMIM 614583.
Autosomal dominant nonsyndromic hearing loss 20. Identifiers: Orphanet 90635, MedGen C1858172, MONDO:0011480, OMIM 604717.

Submission:

Labcorp Genetics (formerly Invitae), Labcorp
Classification: Uncertain significance for Baraitser-winter syndrome 2; Autosomal dominant nonsyndromic hearing loss 20. Last evaluated: 2025-10-02. Review status: criteria provided, single submitter. Criteria: Invitae Variant Classification Sherloc (09022015). Collection method: clinical testing. Allele origin: germline.
Comment: This sequence change replaces lysine, which is basic and polar, with glutamic acid, which is acidic and polar, at codon 315 of the ACTG1 protein (p.Lys315Glu). This variant is not present in population databases (gnomAD no frequency). This variant has not been reported in the literature in individuals affected with ACTG1-related conditions. ClinVar contains an entry for this variant (Variation ID: 2097785). Invitae Evidence Modeling of protein sequence and biophysical properties (such as structural, functional, and spatial information, amino acid conservation, physicochemical variation, residue mobility, and thermodynamic stability) indicates that this missense variant is expected to disrupt ACTG1 protein function with a positive predictive value of 80%. In summary, the available evidence is currently insufficient to determine the role of this variant in disease. Therefore, it has been classified as a Variant of Uncertain Significance.

NM_001614.5(ACTG1):c.943A>G (p.Lys315Glu)

Gene: ACTG1 (actin gamma 1; minus strand). Cytogenetic location: 17q25.3.
Variant type: single nucleotide variant.
Coding change: c.943A>G on transcript NM_001614.5 (MANE Select); coding-DNA position 943, A replaced by G.
Protein change: p.Lys315Glu; replaces lysine 315 with glutamic acid.
Molecular consequence: missense variant. On other transcripts: non-coding transcript variant (1).
Genome position (GRCh38, 1-based): chr17:81,510,968, T>C on the plus strand (A>G on the coding strand, the complement: ACTG1 is on the minus strand). VCF-style: chr17-81510968-T-C. GRCh37 (hg19) VCF-style: chr17-79477994-T-C.
Other names: c.943A>G, p.Lys315Glu (NM_001199954.3); short protein forms K315E.
Identifiers: ClinVar variation 2097785 (VCV002097785.4), dbSNP rs2544387009, ClinGen allele CA401458917.